The following is an entry in ClinVar:

NM_001174089.2(SLC4A11):c.1201G>C (p.Gly401Arg)

Gene: SLC4A11 (solute carrier family 4 member 11; minus strand). Cytogenetic location: 20p13.
Variant type: single nucleotide variant.
Coding change: c.1201G>C on transcript NM_001174089.2 (MANE Select); coding-DNA position 1201, G replaced by C.
Protein change: p.Gly401Arg; replaces glycine 401 with arginine.
Molecular consequence: missense variant. On other transcripts: non-coding transcript variant (1), intron variant (1).
Genome position (GRCh38, 1-based): chr20:3,230,813, C>G on the plus strand (G>C on the coding strand, the complement: SLC4A11 is on the minus strand). VCF-style: chr20-3230813-C-G. GRCh37 (hg19) VCF-style: chr20-3211459-C-G.
Other names: c.1330G>C, p.Gly444Arg (NM_001174090.2); c.1249G>C, p.Gly417Arg (NM_032034.4); c.1168+120G>C (NM_001363745.2); short protein forms G401R, G417R, G444R.
Identifiers: ClinVar variation 1068065 (VCV001068065.10), dbSNP rs1233324021, ClinGen allele CA408088997.

ClinVar aggregate classification (germline): Likely pathogenic. Review status: criteria provided, multiple submitters, no conflicts (2 of 4 stars). 2 submissions from 2 submitters: Likely pathogenic (2). Last evaluated 2022-02-22.

Conditions:
Corneal dystrophy-perceptive deafness syndrome (CDPD). Also called: CORNEAL DYSTROPHY AND SENSORINEURAL DEAFNESS; HARBOYAN SYNDROME. Identifiers: Orphanet 1490, MedGen C1857572, MONDO:0009015, OMIM 217400.
Congenital hereditary endothelial dystrophy of cornea. Also called: Congenital hereditary endothelial dystrophy of the cornea; Maumenee corneal dystrophy; Congenital hereditary endothelial dystrophy type II; CORNEAL DYSTROPHY, CONGENITAL HEREDITARY ENDOTHELIAL; Corneal endothelial dystrophy, autosomal recessive. Identifiers: Orphanet 293603, MedGen C1857569, MONDO:0009019, OMIM 217700.
Corneal dystrophy, Fuchs endothelial, 4 (FECD4). Identifiers: Orphanet 98974, MedGen C2750450, MONDO:0013204, OMIM 613268.

Allele frequency attached by ClinVar (database versions not stated): gnomAD 0.00001.
gnomAD v4.1: 1 of 1,613,196 alleles (0.000062%); no homozygotes.

Submissions (2):

Labcorp Genetics (formerly Invitae), Labcorp
Classification: Likely pathogenic. Last evaluated: 2022-02-22. Review status: criteria provided, single submitter. Criteria: Invitae Variant Classification Sherloc (09022015). Collection method: clinical testing. Allele origin: germline.
Comment: ClinVar contains an entry for this variant (Variation ID: 1068065). In summary, the currently available evidence indicates that the variant is pathogenic, but additional data are needed to prove that conclusively. Therefore, this variant has been classified as Likely Pathogenic. Experimental studies have shown that this missense change affects SLC4A11 function (PMID: 29327391). Algorithms developed to predict the effect of missense changes on protein structure and function (SIFT, PolyPhen-2, Align-GVGD) all suggest that this variant is likely to be disruptive. This missense change has been observed in individuals with congenital hereditary endothelial dystrophy (PMID: 23922488, 31714402). This variant is not present in population databases (gnomAD no frequency). This sequence change replaces glycine, which is neutral and non-polar, with arginine, which is basic and polar, at codon 417 of the SLC4A11 protein (p.Gly417Arg).

Fulgent Genetics
Classification: Likely pathogenic for Corneal dystrophy-perceptive deafness syndrome; Congenital hereditary endothelial dystrophy of cornea; Corneal dystrophy, Fuchs endothelial, 4. Last evaluated: 2021-12-02. Review status: criteria provided, single submitter. Criteria: ACMG Guidelines, 2015. Collection method: clinical testing. Allele origin: unknown.

Literature cited by the submitters: PubMed 29327391 (cited by Labcorp Genetics (formerly Invitae), Labcorp); PubMed 23922488 (cited by Labcorp Genetics (formerly Invitae), Labcorp); PubMed 31714402 (cited by Labcorp Genetics (formerly Invitae), Labcorp).